The following is an entry in ClinVar:

NM_000512.5(GALNS):c.1262G>A (p.Gly421Glu)

Gene: GALNS (galactosamine (N-acetyl)-6-sulfatase; minus strand). Cytogenetic location: 16q24.3.
Variant type: single nucleotide variant.
Coding change: c.1262G>A on transcript NM_000512.5 (MANE Select); coding-DNA position 1262, G replaced by A.
Protein change: p.Gly421Glu; replaces glycine 421 with glutamic acid.
Molecular consequence: missense variant.
Genome position (GRCh38, 1-based): chr16:88,822,691, C>T on the plus strand (G>A on the coding strand, the complement: GALNS is on the minus strand). VCF-style: chr16-88822691-C-T. GRCh37 (hg19) VCF-style: chr16-88889099-C-T.
Other names: c.707G>A, p.Gly236Glu (NM_001323543.2); c.1280G>A, p.Gly427Glu (NM_001323544.2); short protein forms G236E, G421E, G427E.
Identifiers: ClinVar variation 1048497 (VCV001048497.8), dbSNP rs2142992401, ClinGen allele CA397096405.
Genomic context (GRCh38, chr16:88,822,691, plus strand): 5'-ATCAGGGGCAGCTTCGTGTGGTCTTCCAGATTGTGAGTTGTGACCCCTGAAACGTTCTGC[C>T]CAGGGCAGAAATCAATGCCCTGCAATGAGAAGAGGGAAGGTGTGTCCTGGAGCCCCTGAC-3'
Protein context (NP_000503.1, residues 411-431): NFRQGIDFCP[Gly421Glu]QNVSGVTTHN

ClinVar aggregate classification (germline): Conflicting classifications of pathogenicity. Review status: criteria provided, conflicting classifications (1 of 4 stars). 2 submissions from 2 submitters: Likely pathogenic (1); Uncertain significance (1). Last evaluated 2025-08-21.

Conditions:
Mucopolysaccharidosis, MPS-IV-A (MPS4A). Also called: Mucopolysaccharidosis type IV A; Mucopolysaccharidosis Type IVA; Morquio syndrome A, mild; MORQUIO SYNDROME A; MPS IVA; mucopolysaccharidosis type 4A. Identifiers: Orphanet 309297, Orphanet 582, MedGen C0086651, MONDO:0009659, OMIM 253000.

Submissions (2):

Labcorp Genetics (formerly Invitae), Labcorp
Classification: Likely pathogenic for Mucopolysaccharidosis, MPS-IV-A. Last evaluated: 2025-08-21. Review status: criteria provided, single submitter. Criteria: Invitae Variant Classification Sherloc (09022015). Collection method: clinical testing. Allele origin: germline.
Comment: This sequence change replaces glycine, which is neutral and non-polar, with glutamic acid, which is acidic and polar, at codon 421 of the GALNS protein (p.Gly421Glu). This variant is not present in population databases (gnomAD no frequency). This missense change has been observed in individual(s) with mucopolysaccharidosis type IVA (PMID: 25137622, 37901859; internal data). ClinVar contains an entry for this variant (Variation ID: 1048497). Invitae Evidence Modeling of protein sequence and biophysical properties (such as structural, functional, and spatial information, amino acid conservation, physicochemical variation, residue mobility, and thermodynamic stability) indicates that this missense variant is expected to disrupt GALNS protein function with a positive predictive value of 95%. This variant disrupts the p.Gly421 amino acid residue in GALNS. Other variant(s) that disrupt this residue have been observed in individuals with GALNS-related conditions (PMID: 34387910; internal data), which suggests that this may be a clinically significant amino acid residue. In summary, the currently available evidence indicates that the variant is pathogenic, but additional data are needed to prove that conclusively. Therefore, this variant has been classified as Likely Pathogenic.

Laboratory of Diagnosis and Therapy of Lysosomal Disorders, University of Padova
Classification: Uncertain significance for Mucopolysaccharidosis, MPS-IV-A. Last evaluated: 2021-02-01. Review status: criteria provided, single submitter. Criteria: ACMG Guidelines, 2015. Collection method: curation. Allele origin: germline. Affected: yes.
Comment: Absent from gnomAD v2.1.1 (PM2_moderate); multiple lines of computational evidence support a deleterious effect on the gene (PP3_supporting)

Literature cited by the submitters: PubMed 25137622 (cited by Labcorp Genetics (formerly Invitae), Labcorp and Laboratory of Diagnosis and Therapy of Lysosomal Disorders, University of Padova); PubMed 37901859 (cited by Labcorp Genetics (formerly Invitae), Labcorp); PubMed 34387910 (cited by Labcorp Genetics (formerly Invitae), Labcorp and Laboratory of Diagnosis and Therapy of Lysosomal Disorders, University of Padova).